The following is an entry in ClinVar:

NM_001127222.2(CACNA1A):c.1924G>A (p.Asp642Asn)

Gene: CACNA1A (calcium voltage-gated channel subunit alpha1 A; minus strand). Cytogenetic location: 19p13.13.
Variant type: single nucleotide variant.
Coding change: c.1924G>A on transcript NM_001127222.2 (MANE Select); coding-DNA position 1924, G replaced by A.
Protein change: p.Asp642Asn; replaces aspartic acid 642 with asparagine.
Molecular consequence: missense variant.
Genome position (GRCh38, 1-based): chr19:13,307,844, C>T on the plus strand (G>A on the coding strand, the complement: CACNA1A is on the minus strand). VCF-style: chr19-13307844-C-T. GRCh37 (hg19) VCF-style: chr19-13418658-C-T.
Other names: c.1927G>A, p.Asp643Asn (NM_000068.4, NM_001127221.2, NM_001174080.2 and 1 more transcripts); short protein forms D642N, D643N.
Identifiers: ClinVar variation 995866 (VCV000995866.5), dbSNP rs2057938033, ClinGen allele CA404344672.

ClinVar aggregate classification (germline): Uncertain significance (1 of 4 stars; one submission).

Conditions:
Developmental and epileptic encephalopathy, 42 (DEE42A). Also called: Epileptic encephalopathy, early infantile, 42; DEVELOPMENTAL AND EPILEPTIC ENCEPHALOPATHY 42A; EPILEPTIC ENCEPHALOPATHY, EARLY INFANTILE, 42A. Identifiers: MedGen C4310716, MONDO:0014917, OMIM 617106.

Allele frequency attached by ClinVar (database versions not stated): gnomAD exomes below 0.00001; TOPMed below 0.00001.
gnomAD v4.1: 3 of 1,613,860 alleles (0.00019%); highest among the groups gnomAD compares: Non-Finnish European, 0.00017%; no homozygotes.

Submission:

Diagnostics Services (NGS), CSIR - Centre For Cellular And Molecular Biology
Classification: Uncertain significance for Developmental and epileptic encephalopathy, 42. Last evaluated: 2021-01-04. Review status: criteria provided, single submitter. Criteria: ACMG Guidelines, 2015. Collection method: clinical testing. Allele origin: unknown. Affected: yes. Observed: 1 variant allele, 1 heterozygote.
Comment: The c.1927G>A variant is absent in publicly available population databases like 1000 Genomes, Exome Aggregation Consortium (ExAC) and Genome Aggregation Database (gnomAD). The variant is not present in our in-house exome database. The variant lies in one of the ion-transport domains (485-724aa) of the CACNA1A protein. In-silico pathogenicity prediction programs like PolyPhen2, MutationTaster2, CADD etc. predicted this variant to be likely deleterious. There are no proven functional studies present for this variant to assess it's role in disease progression. Due to lack of enough evidence the variant has been classifies as uncertain significance.